The following is an entry in ClinVar:

ClinVar aggregate classification (germline): Uncertain significance. Review status: criteria provided, multiple submitters, no conflicts (2 of 4 stars). 2 submissions from 2 submitters: Uncertain significance (2). Last evaluated 2025-11-16.

Conditions:
Gastrointestinal stromal tumor. Also called: Gastrointestinal stromal tumor, somatic; Gastrointestinal stroma tumor. Identifiers: Orphanet 44890, MedGen C0238198, MeSH D046152, MONDO:0011719, OMIM 606764, HP:0100723.
Hereditary cancer-predisposing syndrome. Also called: Neoplastic Syndromes, Hereditary; Tumor predisposition; Hereditary Cancer Syndrome; Hereditary neoplastic syndrome. Identifiers: Orphanet 140162, MedGen C0027672, MeSH D009386, MONDO:0015356.

Submissions (2):

Ambry Genetics
Classification: Uncertain significance for Hereditary cancer-predisposing syndrome. Last evaluated: 2025-11-16. Review status: criteria provided, single submitter. Criteria: Ambry Variant Classification Scheme 2023. Collection method: clinical testing. Allele origin: germline.
Comment: The p.K710R variant (also known as c.2129A>G), located in coding exon 14 of the KIT gene, results from an A to G substitution at nucleotide position 2129. The lysine at codon 710 is replaced by arginine, an amino acid with highly similar properties. This amino acid position is conserved. In addition, this alteration is predicted to be tolerated by in silico analysis. Based on the available evidence, the clinical significance of this variant remains unclear.

Labcorp Genetics (formerly Invitae), Labcorp
Classification: Uncertain significance for Gastrointestinal stromal tumor. Last evaluated: 2023-08-03. Review status: criteria provided, single submitter. Criteria: Invitae Variant Classification Sherloc (09022015). Collection method: clinical testing. Allele origin: germline.
Comment: In summary, the available evidence is currently insufficient to determine the role of this variant in disease. Therefore, it has been classified as a Variant of Uncertain Significance. An algorithm developed to predict the effect of missense changes on protein structure and function (PolyPhen-2) suggests that this variant is likely to be tolerated. This variant has not been reported in the literature in individuals affected with KIT-related conditions. This variant is not present in population databases (gnomAD no frequency). This sequence change replaces lysine, which is basic and polar, with arginine, which is basic and polar, at codon 710 of the KIT protein (p.Lys710Arg).

NM_000222.3(KIT):c.2129A>G (p.Lys710Arg)

Gene: KIT (KIT proto-oncogene, receptor tyrosine kinase; plus strand). Cytogenetic location: 4q12.
Variant type: single nucleotide variant.
Coding change: c.2129A>G on transcript NM_000222.3 (MANE Select); coding-DNA position 2129, A replaced by G.
Protein change: p.Lys710Arg; replaces lysine 710 with arginine.
Molecular consequence: missense variant.
Genome position (GRCh38, 1-based): chr4:54,729,473, A>G. VCF-style: chr4-54729473-A-G. GRCh37 (hg19) VCF-style: chr4-55595639-A-G.
Other names: c.2117A>G, p.Lys706Arg (NM_001093772.2, NM_001385286.1); c.2132A>G, p.Lys711Arg (NM_001385284.1, NM_001385290.1); c.2129A>G, p.Lys710Arg (NM_001385285.1); c.2120A>G, p.Lys707Arg (NM_001385288.1, NM_001385292.1); short protein forms K706R, K710R, K711R, K707R.
Identifiers: ClinVar variation 2749865 (VCV002749865.3), dbSNP rs2109787109, ClinGen allele CA356909872.